The following is an entry in ClinVar:

ClinVar aggregate classification (germline): Likely pathogenic (1 of 4 stars; one submission).

Conditions:
Renal tubular acidosis with progressive nerve deafness. Also called: Distal Renal Tubular Acidosis with Progressive Sensorineural Deafness; RENAL TUBULAR ACIDOSIS, AUTOSOMAL RECESSIVE, WITH PROGRESSIVE NERVE DEAFNESS; RTA WITH PROGRESSIVE NERVE DEAFNESS; renal tubular acidosis, distal, 2, with progressive sensorineural hearing loss. Identifiers: MedGen C0403554, MONDO:0009968, OMIM 267300.

Submission:

Neuberg Centre For Genomic Medicine, NCGM
Classification: Likely pathogenic for Renal tubular acidosis with progressive nerve deafness. Last evaluated: 2023-06-22. Review status: criteria provided, single submitter. Criteria: ACMG Guidelines, 2015. Collection method: clinical testing. Allele origin: germline. Inheritance: Autosomal recessive inheritance. Affected: yes.
Comment: The splice acceptor c.1249-1G>C variant in the ATP6V1B1 gene has not been reported previously as a pathogenic variant nor as a benign variant, to our knowledge. The variant is absent in the 1000 Genomes. The variant affects AG acceptor splice site upstream to exon 12. This variant is predicted to cause a loss of normal protein function through protein truncation. Loss of function variants has been previously reported to be disease causing (Jobst-Schwan et al., 2020). Variants distal to this are reported pathogenic in Clinvar. However, since this variant is present in the penultimate exon functional studies will be required to prove protein truncation. For these reasons, this variant has been classified as Likely pathogenic.

NM_001692.4(ATP6V1B1):c.1249-1G>C

Gene: ATP6V1B1 (ATPase H+ transporting V1 subunit B1; plus strand). Cytogenetic location: 2p13.3.
Variant type: single nucleotide variant.
Coding change: c.1249-1G>C on transcript NM_001692.4 (MANE Select); the canonical splice acceptor site of the intron before coding-DNA position 1249, G replaced by C.
Molecular consequence: splice acceptor variant.
Genome position (GRCh38, 1-based): chr2:70,964,735, G>C. VCF-style: chr2-70964735-G-C. GRCh37 (hg19) VCF-style: chr2-71191865-G-C.
Identifiers: ClinVar variation 3731431 (VCV003731431.1).